The following is an entry in ClinVar:

ClinVar aggregate classification (germline): Uncertain significance. Review status: criteria provided, multiple submitters, no conflicts (2 of 4 stars). 2 submissions from 2 submitters: Uncertain significance (2). Last evaluated 2025-09-19.

Conditions:
Carney complex, type 1 (CNC1). Also called: CARNEY MYXOMA-ENDOCRINE COMPLEX; CARNEY COMPLEX, TYPE I. Identifiers: Orphanet 1359, MedGen C2607929, MONDO:0008057, OMIM 160980.

Allele frequency attached by ClinVar (database versions not stated): gnomAD 0.00001; TOPMed 0.00001.
gnomAD v4.1: 2 of 1,613,472 alleles (0.00012%); highest among the groups gnomAD compares: African/African-American, 0.0013%; no homozygotes.

Submissions (2):

Labcorp Genetics (formerly Invitae), Labcorp
Classification: Uncertain significance for Carney complex, type 1. Last evaluated: 2025-09-19. Review status: criteria provided, single submitter. Criteria: Invitae Variant Classification Sherloc (09022015). Collection method: clinical testing. Allele origin: germline.
Comment: This sequence change falls in intron 9 of the PRKAR1A gene. It does not directly change the encoded amino acid sequence of the PRKAR1A protein. It affects a nucleotide within the consensus splice site. This variant is present in population databases (no rsID available, gnomAD 0.01%). This variant has not been reported in the literature in individuals affected with PRKAR1A-related conditions. ClinVar contains an entry for this variant (Variation ID: 653045). Variants that disrupt the consensus splice site are a relatively common cause of aberrant splicing (PMID: 17576681, 9536098). Algorithms developed to predict the effect of sequence changes on RNA splicing suggest that this variant is not likely to affect RNA splicing. In summary, the available evidence is currently insufficient to determine the role of this variant in disease. Therefore, it has been classified as a Variant of Uncertain Significance.

Women's Health and Genetics/Laboratory Corporation of America, LabCorp
Classification: Uncertain significance. Last evaluated: 2023-08-26. Review status: criteria provided, single submitter. Criteria: LabCorp Variant Classification Summary - May 2015. Collection method: clinical testing. Allele origin: germline.

Literature cited by the submitters: PubMed 17576681 (cited by Labcorp Genetics (formerly Invitae), Labcorp); PubMed 9536098 (cited by Labcorp Genetics (formerly Invitae), Labcorp).

NM_002734.5(PRKAR1A):c.891+6G>T

Gene: PRKAR1A (protein kinase cAMP-dependent type I regulatory subunit alpha; plus strand). Cytogenetic location: 17q24.2.
Variant type: single nucleotide variant.
Coding change: c.891+6G>T on transcript NM_002734.5 (MANE Select); 6 bases into the intron after coding-DNA position 891, G replaced by T.
Molecular consequence: intron variant.
Genome position (GRCh38, 1-based): chr17:68,528,997, G>T. VCF-style: chr17-68528997-G-T. GRCh37 (hg19) VCF-style: chr17-66525138-G-T.
Other names: c.891+6G>T (NM_001278433.2, NM_001369389.1, NM_212471.3 and 4 more transcripts).
Identifiers: ClinVar variation 653045 (VCV000653045.10), dbSNP rs1222751049, ClinGen allele CA627205776.
Genomic context (GRCh38, chr17:68,528,997, plus strand): 5'-GCAGAAGATTGTGGTGCAGGGAGAACCAGGGGATGAGTTCTTCATTATTTTAGAGGTAAA[G>T]AACTCAGAATTTAATACTTGAATTTTAGAGGTAAAGAACTCAGAATTTAATACTTTAAAA-3'